The following is an entry in ClinVar:

NM_001267052.2(UNC45B):c.1219C>G (p.Gln407Glu)

Gene: UNC45B (unc-45 myosin chaperone B; plus strand). Cytogenetic location: 17q12.
Variant type: single nucleotide variant.
Coding change: c.1219C>G on transcript NM_001267052.2 (MANE Select); coding-DNA position 1219, C replaced by G.
Protein change: p.Gln407Glu; replaces glutamine 407 with glutamic acid.
Molecular consequence: missense variant.
Genome position (GRCh38, 1-based): chr17:35,168,128, C>G. VCF-style: chr17-35168128-C-G. GRCh37 (hg19) VCF-style: chr17-33495147-C-G.
Other names: c.1219C>G, p.Gln407Glu (NM_001033576.2, NM_001308281.1, NM_173167.3); short protein forms Q407E.
Identifiers: ClinVar variation 2217417 (VCV002217417.4), dbSNP rs150737079, ClinGen allele CA8501091.

ClinVar aggregate classification (germline): Uncertain significance. Review status: criteria provided, single submitter (1 of 4 stars). 2 submissions from 2 submitters: Uncertain significance (1). 1 of the submissions does not count toward it. Last evaluated 2022-11-08.

Conditions:
Inborn genetic diseases. Identifiers: MedGen C0950123, MeSH D030342.
UNC45B-related disorder. Also called: UNC45B-related condition.

Allele frequency attached by ClinVar (database versions not stated): gnomAD exomes 0.00006; ExAC 0.00015; 1000 Genomes Project 30x 0.00031; 1000 Genomes Project 0.00040; gnomAD 0.00054; TOPMed 0.00057; ESP Exome Variant Server 0.00085.
gnomAD v4.1: 163 of 1,594,246 alleles (0.01%); highest among the groups gnomAD compares: African/African-American, 0.19%; no homozygotes.

Submissions (2):

Ambry Genetics
Classification: Uncertain significance for Inborn genetic diseases. Last evaluated: 2022-11-08. Review status: criteria provided, single submitter. Criteria: Ambry Variant Classification Scheme 2023. Collection method: clinical testing. Allele origin: germline.

PreventionGenetics, part of Exact Sciences
Classification: Likely benign for UNC45B-related condition. Last evaluated: 2022-07-20. Review status: no assertion criteria provided. Collection method: clinical testing. Allele origin: germline. Not counted in ClinVar's aggregate classification.
Comment: This variant is classified as likely benign based on ACMG/AMP sequence variant interpretation guidelines (Richards et al. 2015 PMID: 25741868, with internal and published modifications).